The following is an entry in ClinVar:

ClinVar aggregate classification (germline): Benign. Review status: criteria provided, multiple submitters, no conflicts (2 of 4 stars). 13 submissions from 13 submitters: Benign (11). 2 of the submissions do not count toward it. Last evaluated 2026-02-04.

Conditions:
Cardiovascular phenotype. Identifiers: MedGen CN230736.
Telangiectasia, hereditary hemorrhagic, type 2 (HHT2). Also called: ACVRL1-Related Hereditary Hemorrhagic Telangiectasia; Telangiectasia, hereditary hemorrhagic, type II. Identifiers: Orphanet 774, MedGen C1838163, MONDO:0010880, OMIM 600376. Disease mechanism: loss of function.

Allele frequency attached by ClinVar (database versions not stated): gnomAD exomes 0.00348 and 0.00468; ExAC 0.00608; 1000 Genomes Project 0.01318; gnomAD 0.01363 and 0.01461; ESP Exome Variant Server 0.01401; TOPMed 0.01517; 1000 Genomes Project 30x 0.01562.
gnomAD v4.1: 7,182 of 1,598,474 alleles (0.45%); highest among the groups gnomAD compares: African/African-American, 4%; 92 homozygotes.

Submissions (18):

Labcorp Genetics (formerly Invitae), Labcorp
Classification: Benign for Telangiectasia, hereditary hemorrhagic, type 2. Last evaluated: 2026-02-04. Review status: criteria provided, single submitter. Criteria: Invitae Variant Classification Sherloc (09022015). Collection method: clinical testing. Allele origin: germline.

ARUP Laboratories, Molecular Genetics and Genomics, ARUP Laboratories
Classification: Benign for Telangiectasia, hereditary hemorrhagic, type 2. Last evaluated: 2025-05-30. Review status: criteria provided, single submitter. Criteria: ARUP Molecular Germline Variant Investigation Process 2024. Collection method: clinical testing. Allele origin: germline.

Blueprint Genetics
Classification: Benign. Last evaluated: 2024-11-27. Review status: criteria provided, single submitter. Criteria: ACMG Guidelines, 2015. Collection method: clinical testing. Allele origin: germline.

Genome-Nilou Lab
Classification: Benign for Telangiectasia, hereditary hemorrhagic, type 2. Last evaluated: 2021-12-05. Review status: criteria provided, single submitter. Criteria: ACMG Guidelines, 2015. Collection method: clinical testing. Allele origin: germline. Affected: no.

Women's Health and Genetics/Laboratory Corporation of America, LabCorp
Classification: Benign. Last evaluated: 2021-07-08. Review status: criteria provided, single submitter. Criteria: LabCorp Variant Classification Summary - May 2015. Collection method: clinical testing. Allele origin: germline.

Mayo Clinic Laboratories, Mayo Clinic
Classification: Benign. Last evaluated: 2019-03-11. Review status: criteria provided, single submitter. Criteria: ACMG Guidelines, 2015. Collection method: clinical testing. Allele origin: germline. Observed: 22 variant alleles.

Illumina Laboratory Services, Illumina
Classification: Benign for Telangiectasia, hereditary hemorrhagic, type 2. Last evaluated: 2018-01-12. Review status: criteria provided, single submitter. Criteria: ICSL Variant Classification Criteria 13 December 2019. Collection method: clinical testing. Allele origin: germline.
Comment: This variant was observed in the ICSL laboratory as part of a predisposition screen in an ostensibly healthy population. It had not been previously curated by ICSL or reported in the Human Gene Mutation Database (HGMD: prior to June 1st, 2018), and was therefore a candidate for classification through an automated scoring system. Utilizing variant allele frequency, disease prevalence and penetrance estimates, and inheritance mode, an automated score was calculated to assess if this variant is too frequent to cause the disease. Based on the score and internal cut-off values, a variant classified as benign is not then subjected to further curation. The score for this variant resulted in a classification of benign for this disease.

Ambry Genetics
Classification: Benign for Cardiovascular phenotype. Last evaluated: 2016-02-26. Review status: criteria provided, single submitter. Criteria: Ambry Variant Classification Scheme 2023. Collection method: clinical testing. Allele origin: germline.

GeneDx
Classification: Benign. Last evaluated: 2015-07-10. Review status: criteria provided, single submitter. Criteria: GeneDx Variant Classification (06012015). Collection method: clinical testing. Allele origin: germline. Affected: yes.
Comment: This variant is considered likely benign or benign based on one or more of the following criteria: it is a conservative change, it occurs at a poorly conserved position in the protein, it is predicted to be benign by multiple in silico algorithms, and/or has population frequency not consistent with disease.

Breakthrough Genomics
Classification: Benign. Review status: criteria provided, single submitter. Criteria: ACMG Guidelines, 2015. Collection method: not provided. Allele origin: germline. Inheritance: Autosomal dominant inheritance. Affected: yes.

PreventionGenetics, part of Exact Sciences
Classification: Benign. Review status: criteria provided, single submitter. Criteria: ACMG Guidelines, 2015. Collection method: clinical testing. Allele origin: germline.

Genome Diagnostics Laboratory, Amsterdam University Medical Center
Classification: Benign for Telangiectasia, hereditary hemorrhagic, type 2. Last evaluated: 2017-08-02. Review status: no assertion criteria provided. Criteria: ACGS Guidelines, 2013. Collection method: clinical testing. Allele origin: germline. Affected: yes. Study: VKGL Data-share Consensus. Not counted in ClinVar's aggregate classification.

Clinical Genetics, Academic Medical Center
Classification: Benign. Review status: no assertion criteria provided. Collection method: clinical testing. Allele origin: germline. Affected: yes. Study: VKGL Data-share Consensus. Not counted in ClinVar's aggregate classification.

Dr. Peter K. Rogan Lab, Western University
No classification provided (evidence only). Condition: Clear cell carcinoma of kidney. Review status: no classification provided. Collection method: in vitro. Allele origin: not applicable. Functional consequence: retained intron. Not counted in ClinVar's aggregate classification.

Dr. Peter K. Rogan Lab, Western University
No classification provided (evidence only). Condition: Clear cell carcinoma of kidney. Review status: no classification provided. Collection method: in vitro. Allele origin: not applicable. Functional consequence: retained intron. Not counted in ClinVar's aggregate classification.

Dr. Peter K. Rogan Lab, Western University
No classification provided (evidence only). Condition: Lung cancer. Review status: no classification provided. Collection method: in vitro. Allele origin: not applicable. Functional consequence: skipped exon, retained intron. Not counted in ClinVar's aggregate classification.

Dr. Peter K. Rogan Lab, Western University
No classification provided (evidence only). Condition: Melanoma. Review status: no classification provided. Collection method: in vitro. Allele origin: not applicable. Functional consequence: retained intron. Not counted in ClinVar's aggregate classification.

Dr. Peter K. Rogan Lab, Western University
No classification provided (evidence only). Condition: Gastric cancer. Review status: no classification provided. Collection method: in vitro. Allele origin: not applicable. Functional consequence: retained intron. Not counted in ClinVar's aggregate classification.

NM_000020.3(ACVRL1):c.330G>A (p.Ser110=)

Gene: ACVRL1 (activin A receptor like type 1; plus strand). Cytogenetic location: 12q13.13.
Variant type: single nucleotide variant.
Coding change: c.330G>A on transcript NM_000020.3 (MANE Select); coding-DNA position 330, G replaced by A.
Protein change: p.Ser110=; no amino-acid change (serine 110 retained).
Molecular consequence: synonymous variant.
Genome position (GRCh38, 1-based): chr12:51,913,575, G>A. VCF-style: chr12-51913575-G-A. GRCh37 (hg19) VCF-style: chr12-52307359-G-A.
Other names: p.S110S:TCG>TCA; p.Ser110=; c.330G>A, p.Ser110= (NM_001077401.2).
Identifiers: ClinVar variation 212791 (VCV000212791.35), dbSNP rs77341011, ClinGen allele CA322465.